The following is an entry in ClinVar:

NM_007294.4(BRCA1):c.4956G>A (p.Met1652Ile)

Gene: BRCA1 (BRCA1 DNA repair associated; minus strand). Cytogenetic location: 17q21.31.
Variant type: single nucleotide variant.
Coding change: c.4956G>A on transcript NM_007294.4 (MANE Select); coding-DNA position 4956, G replaced by A.
Protein change: p.Met1652Ile; replaces methionine 1652 with isoleucine.
Molecular consequence: missense variant. On other transcripts: non-coding transcript variant (1).
Genome position (GRCh38, 1-based): chr17:43,070,958, C>T on the plus strand (G>A on the coding strand, the complement: BRCA1 is on the minus strand). VCF-style: chr17-43070958-C-T. GRCh37 (hg19) VCF-style: chr17-41222975-C-T.
Other names: M1625I; p.M1652I:ATG>ATA; NP_009225.1:p.Met1652Ile; 5075G>A; c.4743G>A, p.Met1581Ile (NM_001407571.1, NM_001407894.1, NM_001407908.1 and 12 more transcripts); c.5022G>A, p.Met1674Ile (NM_001407581.1, NM_001407582.1); c.5019G>A, p.Met1673Ile (NM_001407583.1, NM_001407585.1, NM_001407587.1 and 1 more transcripts); c.5016G>A, p.Met1672Ile (NM_001407590.1, NM_001407591.1); and 74 more; short protein forms M1652I, M548I, M1673I, M1605I, M1523I, M1582I, M1604I, M1611I.
Identifiers: ClinVar variation 41830 (VCV000041830.132), dbSNP rs1799967, ClinGen allele CA003103.

ClinVar aggregate classification (germline): Benign. Review status: reviewed by expert panel (3 of 4 stars). 47 submissions from 47 submitters: Benign (1). 46 of the submissions do not count toward it. Last evaluated 2015-08-10.

Conditions:
BRCA1-related cancer predisposition. Identifiers: MedGen CN377757, MONDO:0700268.
Hereditary cancer-predisposing syndrome. Also called: Neoplastic Syndromes, Hereditary; Hereditary neoplastic syndrome; Hereditary Cancer Syndrome; Tumor predisposition. Identifiers: Orphanet 140162, MedGen C0027672, MeSH D009386, MONDO:0015356.
Hereditary breast ovarian cancer syndrome. Also called: Hereditary breast and ovarian cancer syndrome (HBOC); Breast and ovarian cancer; BRCA1- and BRCA2-Associated Hereditary Breast and Ovarian Cancer; Hereditary breast and ovarian cancer syndrome; Hereditary breast and ovarian cancer; Hereditary breast and/or ovarian cancer syndrome. Identifiers: Orphanet 145, MedGen C0677776, MeSH D061325, MONDO:0003582. Disease mechanism: loss of function.
Breast-ovarian cancer, familial, susceptibility to, 1 (BROVCA1). Also called: BRCA1 Hereditary Breast and Ovarian Cancer; OVARIAN CANCER, SUSCEPTIBILITY TO. Identifiers: Orphanet 145, MedGen C2676676, MONDO:0011450, OMIM 604370. Disease mechanism: loss of function.
Familial cancer of breast. Also called: Hereditary breast cancer; hereditary breast carcinoma; BREAST CANCER, FAMILIAL. Identifiers: Orphanet 227535, MedGen C0346153, MONDO:0016419, OMIM 114480. Disease mechanism: loss of function.
Malignant tumor of breast. Also called: Malignant breast neoplasm; Cancer breast. Identifiers: MedGen C0006142, MONDO:0007254. Disease mechanism: loss of function.

Allele frequency attached by ClinVar (database versions not stated): ExAC 0.01762; gnomAD exomes 0.01799 and 0.01474; TOPMed 0.00878; 1000 Genomes Project 0.01118; gnomAD 0.01391 and 0.01348; ESP Exome Variant Server 0.01076; 1000 Genomes Project 30x 0.01046.

Submissions 1 to 20 of 48:

Evidence-based Network for the Interpretation of Germline Mutant Alleles (ENIGMA)
Classification: Benign for Breast-ovarian cancer, familial 1. Last evaluated: 2015-08-10. Review status: reviewed by expert panel. Criteria: ENIGMA BRCA1/2 Classification Criteria (2015). Collection method: curation. Allele origin: germline.
Comment: IARC class based on posterior probability from multifactorial likelihood analysis, thresholds for class as per Plon et al. 2008 (PMID: 18951446). Class 1 based on posterior probability = 0.0000148. Also class 1 based on frequency >1% in an outbred sampleset. Frequency 0.02243 (European), derived from 1000 genomes (2012-04-30).

CeGaT Center for Human Genetics Tuebingen
Classification: Benign. Last evaluated: 2026-09-01. Review status: criteria provided, single submitter. Criteria: CeGaT Center For Human Genetics Tuebingen Variant Classification Criteria Version 2. Collection method: clinical testing. Allele origin: germline. Affected: yes. Observed: 310 variant alleles. Not counted in ClinVar's aggregate classification.
Comment: BRCA1: PM5, BP4, BS1, BS2

Labcorp Genetics (formerly Invitae), Labcorp
Classification: Benign for Hereditary breast ovarian cancer syndrome. Last evaluated: 2026-02-04. Review status: criteria provided, single submitter. Criteria: Invitae Variant Classification Sherloc (09022015). Collection method: clinical testing. Allele origin: germline. Not counted in ClinVar's aggregate classification.

Dasa
Classification: Benign for Breast-ovarian cancer, familial, susceptibility to, 1. Last evaluated: 2025-11-03. Review status: criteria provided, single submitter. Criteria: DASA Assertion Criteria. Collection method: clinical testing. Allele origin: germline. Not counted in ClinVar's aggregate classification.
Comment: NM_007294.4(BRCA1):c.4956G>A (p.Met1652Ile) is a missense variant that results in the substitution of methionine with isoleucine. Population frequency is inconsistent with a disease-causing role for this variant, observations in unaffected individuals support a benign interpretation, and functional evidence is consistent with no deleterious impact on the gene or gene product. Therefore, based on the currently available evidence, this variant is classified as benign.

ARUP Laboratories, Molecular Genetics and Genomics, ARUP Laboratories
Classification: Benign. Last evaluated: 2025-07-31. Review status: criteria provided, single submitter. Criteria: ARUP Molecular Germline Variant Investigation Process 2024. Collection method: clinical testing. Allele origin: germline. Not counted in ClinVar's aggregate classification.

Center for Genomic Medicine, Rigshospitalet, Copenhagen University Hospital
Classification: Benign. Last evaluated: 2025-03-04. Review status: criteria provided, single submitter. Criteria: ACMG Guidelines, 2015. Collection method: clinical testing. Allele origin: germline. Not counted in ClinVar's aggregate classification.

Blueprint Genetics
Classification: Likely benign. Last evaluated: 2024-11-26. Review status: criteria provided, single submitter. Criteria: ACMG Guidelines, 2015. Collection method: clinical testing. Allele origin: germline. Not counted in ClinVar's aggregate classification.

All of Us Research Program, National Institutes of Health
Classification: Benign for BRCA1-related cancer predisposition. Last evaluated: 2024-10-01. Review status: criteria provided, single submitter. Criteria: ACMG Guidelines, 2015. Collection method: clinical testing. Allele origin: germline. Inheritance: Autosomal dominant inheritance. Observed: 3,836 variant alleles, 3,796 heterozygotes, 39 homozygotes, 1 hemizygote. Not counted in ClinVar's aggregate classification.
Comment: This study involves interpretation of variants in research participants for the purpose of population health screening. Participant phenotype was not available at the time of variant classification. Additional details can be found in publication PMID: 35346344, PMCID: PMC8962531

KCCC/NGS Laboratory, Kuwait Cancer Control Center
Classification: Benign for Breast-ovarian cancer, familial, susceptibility to, 1. Last evaluated: 2023-07-07. Review status: criteria provided, single submitter. Criteria: ACMG Guidelines, 2015. Collection method: clinical testing. Allele origin: germline. Affected: yes. Not counted in ClinVar's aggregate classification.

National Health Laboratory Service, Universitas Academic Hospital and University of the Free State
Classification: Benign for Hereditary breast ovarian cancer syndrome. Last evaluated: 2022-04-19. Review status: criteria provided, single submitter. Criteria: ACMG Guidelines, 2015. Collection method: clinical testing. Allele origin: germline. Affected: yes. Observed: 37 variant alleles. Not counted in ClinVar's aggregate classification.

Institute for Clinical Genetics, University Hospital TU Dresden, University Hospital TU Dresden
Classification: Benign. Last evaluated: 2021-11-03. Review status: criteria provided, single submitter. Criteria: ACMG Guidelines, 2015. Collection method: clinical testing. Allele origin: germline. Not counted in ClinVar's aggregate classification.

Genetics Program, Instituto Nacional de Cancer
Classification: Benign for Hereditary breast ovarian cancer syndrome. Last evaluated: 2021-11-01. Review status: criteria provided, single submitter. Criteria: ACMG Guidelines, 2015. Collection method: research. Allele origin: germline. Affected: yes. Not counted in ClinVar's aggregate classification.

Quest Diagnostics Nichols Institute San Juan Capistrano
Classification: Benign. Last evaluated: 2020-06-15. Review status: criteria provided, single submitter. Criteria: Quest Diagnostics criteria. Collection method: clinical testing. Allele origin: unknown. Not counted in ClinVar's aggregate classification.

Sema4
Classification: Benign for Hereditary cancer-predisposing syndrome. Last evaluated: 2020-01-02. Review status: criteria provided, single submitter. Criteria: Sema4 Curation Guidelines. Collection method: curation. Allele origin: germline. Not counted in ClinVar's aggregate classification.

Mendelics
Classification: Benign for Breast-ovarian cancer, familial, susceptibility to, 1. Last evaluated: 2019-05-28. Review status: criteria provided, single submitter. Criteria: Mendelics Assertion Criteria 2017. Collection method: clinical testing. Allele origin: unknown. Not counted in ClinVar's aggregate classification.

Institute of Human Genetics, University of Leipzig Medical Center
Classification: Likely benign for Breast-ovarian cancer, familial, susceptibility to, 1. Last evaluated: 2019-01-01. Review status: criteria provided, single submitter. Criteria: ACMG Guidelines, 2015. Collection method: clinical testing. Allele origin: unknown. Affected: yes. Not counted in ClinVar's aggregate classification.

Illumina Laboratory Services, Illumina
Classification: Likely benign for Breast-ovarian cancer, familial, susceptibility to, 1. Last evaluated: 2018-01-24. Review status: criteria provided, single submitter. Criteria: ICSL Variant Classification Criteria 13 December 2019. Collection method: clinical testing. Allele origin: germline. Not counted in ClinVar's aggregate classification.
Comment: This variant was observed as part of a predisposition screen in an ostensibly healthy population. A literature search was performed for the gene, cDNA change, and amino acid change (where applicable). No publications were found based on this search. Allele frequency data from public databases allowed determination this variant is unlikely to cause disease. Therefore, this variant is classified as likely benign.

GeneKor MSA
Classification: Benign. Last evaluated: 2017-11-01. Review status: criteria provided, single submitter. Criteria: ACMG Guidelines, 2015. Collection method: clinical testing. Allele origin: germline. Affected: yes. Not counted in ClinVar's aggregate classification.

Cancer Genetics and Genomics Laboratory, British Columbia Cancer Agency
Classification: Benign. Last evaluated: 2017-04-18. Review status: criteria provided, single submitter. Criteria: ACMG Guidelines, 2015. Collection method: clinical testing. Allele origin: germline. Study: The Canadian Open Genetics Repository (COGR). Not counted in ClinVar's aggregate classification.

Baylor Genetics
Classification: Benign for Familial cancer of breast. Last evaluated: 2017-02-23. Review status: criteria provided, single submitter. Criteria: ACMG Guidelines, 2015. Collection method: clinical testing. Allele origin: germline. Inheritance: Autosomal dominant inheritance. Affected: no. Not counted in ClinVar's aggregate classification.